The following is an entry in ClinVar:

NM_000264.5(PTCH1):c.3331A>G (p.Lys1111Glu)

Gene: PTCH1 (patched 1; minus strand). Cytogenetic location: 9q22.32.
Variant type: single nucleotide variant.
Coding change: c.3331A>G on transcript NM_000264.5 (MANE Select); coding-DNA position 3331, A replaced by G.
Protein change: p.Lys1111Glu; replaces lysine 1111 with glutamic acid.
Molecular consequence: missense variant. On other transcripts: non-coding transcript variant (1).
Genome position (GRCh38, 1-based): chr9:95,453,596, T>C on the plus strand (A>G on the coding strand, the complement: PTCH1 is on the minus strand). VCF-style: chr9-95453596-T-C. GRCh37 (hg19) VCF-style: chr9-98215878-T-C.
Other names: c.3133A>G, p.Lys1045Glu (NM_001083602.3); c.3328A>G, p.Lys1110Glu (NM_001083603.3); c.2878A>G, p.Lys960Glu (NM_001083604.3, NM_001083605.3, NM_001083606.3 and 1 more transcripts); c.3175A>G, p.Lys1059Glu (NM_001354918.2); short protein forms K1059E, K1110E, K960E, K1045E, K1111E.
Identifiers: ClinVar variation 853039 (VCV000853039.13), dbSNP rs1838665681, ClinGen allele CA374111886.

ClinVar aggregate classification (germline): Uncertain significance. Review status: criteria provided, multiple submitters, no conflicts (2 of 4 stars). 3 submissions from 3 submitters: Uncertain significance (3). Last evaluated 2025-10-18.

Conditions:
Hereditary cancer-predisposing syndrome. Also called: Neoplastic Syndromes, Hereditary; Hereditary Cancer Syndrome; Hereditary neoplastic syndrome; Tumor predisposition. Identifiers: Orphanet 140162, MedGen C0027672, MeSH D009386, MONDO:0015356.
Basal cell carcinoma, susceptibility to, 1. Also called: BCC1. Identifiers: MedGen C2751544, MONDO:0011556, OMIM 605462.
Gorlin syndrome. Also called: Nevoid Basal Cell Carcinoma Syndrome; Basal cell nevus syndrome. Identifiers: Orphanet 377, MedGen C0004779, MONDO:0007187.

Allele frequency attached by ClinVar (database versions not stated): gnomAD 0.00001; TOPMed 0.00002.
gnomAD v4.1: 3 of 1,613,860 alleles (0.00019%); highest among the groups gnomAD compares: African/African-American, 0.004%; no homozygotes.

Submissions (3):

Labcorp Genetics (formerly Invitae), Labcorp
Classification: Uncertain significance for Gorlin syndrome. Last evaluated: 2025-10-18. Review status: criteria provided, single submitter. Criteria: Invitae Variant Classification Sherloc (09022015). Collection method: clinical testing. Allele origin: germline.
Comment: This sequence change replaces lysine, which is basic and polar, with glutamic acid, which is acidic and polar, at codon 1111 of the PTCH1 protein (p.Lys1111Glu). This variant is not present in population databases (gnomAD no frequency). This variant has not been reported in the literature in individuals affected with PTCH1-related conditions. ClinVar contains an entry for this variant (Variation ID: 853039). Invitae Evidence Modeling of protein sequence and biophysical properties (such as structural, functional, and spatial information, amino acid conservation, physicochemical variation, residue mobility, and thermodynamic stability) indicates that this missense variant is not expected to disrupt PTCH1 protein function with a negative predictive value of 95%. In summary, the available evidence is currently insufficient to determine the role of this variant in disease. Therefore, it has been classified as a Variant of Uncertain Significance.

Ambry Genetics
Classification: Uncertain significance for Hereditary cancer-predisposing syndrome. Last evaluated: 2025-06-02. Review status: criteria provided, single submitter. Criteria: Ambry Variant Classification Scheme 2023. Collection method: clinical testing. Allele origin: germline.
Comment: The p.K1111E variant (also known as c.3331A>G), located in coding exon 20 of the PTCH1 gene, results from an A to G substitution at nucleotide position 3331. The lysine at codon 1111 is replaced by glutamic acid, an amino acid with similar properties. This amino acid position is not well conserved in available vertebrate species. In addition, the in silico prediction for this alteration is inconclusive. Since supporting evidence is limited at this time, the clinical significance of this alteration remains unclear.

Baylor Genetics
Classification: Uncertain significance for Basal cell carcinoma, susceptibility to, 1. Last evaluated: 2023-10-24. Review status: criteria provided, single submitter. Criteria: ACMG Guidelines, 2015. Collection method: clinical testing. Allele origin: unknown.